The following is an entry in ClinVar:

NM_000285.4(PEPD):c.914T>C (p.Val305Ala)

Gene: PEPD (peptidase D; minus strand). Cytogenetic location: 19q13.11.
Variant type: single nucleotide variant.
Coding change: c.914T>C on transcript NM_000285.4 (MANE Select); coding-DNA position 914, T replaced by C.
Protein change: p.Val305Ala; replaces valine 305 with alanine.
Molecular consequence: missense variant.
Genome position (GRCh38, 1-based): chr19:33,401,774, A>G on the plus strand (T>C on the coding strand, the complement: PEPD is on the minus strand). VCF-style: chr19-33401774-A-G. GRCh37 (hg19) VCF-style: chr19-33892680-A-G.
Other names: c.791T>C, p.Val264Ala (NM_001166056.2); c.722T>C, p.Val241Ala (NM_001166057.2); c.914T>C (NM_000285.3); short protein forms V264A, V305A, V241A.
Identifiers: ClinVar variation 3687011 (VCV003687011.3).
Genomic context (GRCh38, chr19:33,401,774, plus strand): 5'-TGCTCACCTGGCTTCATGGCACCCATGACGGCACGGGAGCTCCGCAGCACTGCCTCATAG[A>G]CGGCCTTCTGGTCTGCAGTGAACTTGCCGTTGGCGGGAAAGGAGCAGGTGATGTCGGAAG-3'
Protein context (NP_000276.2, residues 295-315): NGKFTADQKA[Val305Ala]YEAVLRSSRA

ClinVar aggregate classification (germline): Uncertain significance. Review status: criteria provided, multiple submitters, no conflicts (2 of 4 stars). 2 submissions from 2 submitters: Uncertain significance (2). Last evaluated 2025-12-16.

Conditions:
Inborn genetic diseases. Identifiers: MedGen C0950123, MeSH D030342.

gnomAD v4.1: 1 of 1,611,868 alleles (0.000062%); highest among the groups gnomAD compares: Non-Finnish European, 0.000085%; no homozygotes.

Submissions (2):

Ambry Genetics
Classification: Uncertain significance for Inborn genetic diseases. Last evaluated: 2025-12-16. Review status: criteria provided, single submitter. Criteria: Ambry Variant Classification Scheme 2023. Collection method: clinical testing. Allele origin: germline.

Labcorp Genetics (formerly Invitae), Labcorp
Classification: Uncertain significance. Last evaluated: 2025-02-23. Review status: criteria provided, single submitter. Criteria: Invitae Variant Classification Sherloc (09022015). Collection method: clinical testing. Allele origin: germline.
Comment: This sequence change replaces valine, which is neutral and non-polar, with alanine, which is neutral and non-polar, at codon 305 of the PEPD protein (p.Val305Ala). This variant is not present in population databases (gnomAD no frequency). This variant has not been reported in the literature in individuals affected with PEPD-related conditions. Invitae Evidence Modeling of protein sequence and biophysical properties (such as structural, functional, and spatial information, amino acid conservation, physicochemical variation, residue mobility, and thermodynamic stability) indicates that this missense variant is not expected to disrupt PEPD protein function with a negative predictive value of 95%. In summary, the available evidence is currently insufficient to determine the role of this variant in disease. Therefore, it has been classified as a Variant of Uncertain Significance.